The following is an entry in ClinVar:

NM_152866.3(MS4A1):c.278T>C (p.Met93Thr)

Gene: MS4A1 (membrane spanning 4-domains A1; plus strand). Cytogenetic location: 11q12.2.
Variant type: single nucleotide variant.
Coding change: c.278T>C on transcript NM_152866.3 (MANE Select); coding-DNA position 278, T replaced by C.
Protein change: p.Met93Thr; replaces methionine 93 with threonine.
Molecular consequence: missense variant.
Genome position (GRCh38, 1-based): chr11:60,463,120, T>C. VCF-style: chr11-60463120-T-C. GRCh37 (hg19) VCF-style: chr11-60230593-T-C.
Other names: c.278T>C, p.Met93Thr (NM_021950.4, NM_152867.2); short protein forms M93T.
Identifiers: ClinVar variation 3621766 (VCV003621766.2).

ClinVar aggregate classification (germline): Uncertain significance (1 of 4 stars; one submission).

gnomAD v4.1: 5 of 1,614,150 alleles (0.00031%); highest among the groups gnomAD compares: South Asian, 0.0044%; no homozygotes.

Submission:

Labcorp Genetics (formerly Invitae), Labcorp
Classification: Uncertain significance. Last evaluated: 2024-02-16. Review status: criteria provided, single submitter. Criteria: Invitae Variant Classification Sherloc (09022015). Collection method: clinical testing. Allele origin: germline.
Comment: This sequence change replaces methionine, which is neutral and non-polar, with threonine, which is neutral and polar, at codon 93 of the MS4A1 protein (p.Met93Thr). This variant is present in population databases (no rsID available, gnomAD 0.006%). This variant has not been reported in the literature in individuals affected with MS4A1-related conditions. An algorithm developed to predict the effect of missense changes on protein structure and function (PolyPhen-2) suggests that this variant is likely to be disruptive. In summary, the available evidence is currently insufficient to determine the role of this variant in disease. Therefore, it has been classified as a Variant of Uncertain Significance.